The following is an entry in ClinVar:

NM_020693.4(DSCAML1):c.388C>T (p.Arg130Trp)

Gene: DSCAML1 (DS cell adhesion molecule like 1; minus strand). Cytogenetic location: 11q23.3.
Variant type: single nucleotide variant.
Coding change: c.388C>T on transcript NM_020693.4 (MANE Select); coding-DNA position 388, C replaced by T.
Protein change: p.Arg130Trp; replaces arginine 130 with tryptophan.
Molecular consequence: missense variant. On other transcripts: 5 prime UTR variant (1).
Genome position (GRCh38, 1-based): chr11:117,776,914, G>A on the plus strand (C>T on the coding strand, the complement: DSCAML1 is on the minus strand). VCF-style: chr11-117776914-G-A. GRCh37 (hg19) VCF-style: chr11-117647629-G-A.
Other names: c.388C>T, p.Arg130Trp (NM_001367904.1); c.-21C>T (NM_001367905.1); short protein forms R130W.
Identifiers: ClinVar variation 2422242 (VCV002422242.6), dbSNP rs1009631617, ClinGen allele CA229402805.

ClinVar aggregate classification (germline): Uncertain significance (1 of 4 stars; one submission).

Allele frequency attached by ClinVar (database versions not stated): gnomAD exomes 0.00001; TOPMed 0.00004.

Submission:

Labcorp Genetics (formerly Invitae), Labcorp
Classification: Uncertain significance. Last evaluated: 2025-12-24. Review status: criteria provided, single submitter. Criteria: Invitae Variant Classification Sherloc (09022015). Collection method: clinical testing. Allele origin: germline.
Comment: This sequence change replaces arginine, which is basic and polar, with tryptophan, which is neutral and slightly polar, at codon 190 of the DSCAML1 protein (p.Arg190Trp). This variant is present in population databases (no rsID available, gnomAD 0.003%). This variant has not been reported in the literature in individuals affected with DSCAML1-related conditions. ClinVar contains an entry for this variant (Variation ID: 2422242). An algorithm developed to predict the effect of missense changes on protein structure and function (PolyPhen-2) suggests that this variant is likely to be disruptive. In summary, the available evidence is currently insufficient to determine the role of this variant in disease. Therefore, it has been classified as a Variant of Uncertain Significance.